The following is an entry in ClinVar:

NM_005026.5(PIK3CD):c.371-3C>T

Gene: PIK3CD (phosphatidylinositol-4,5-bisphosphate 3-kinase catalytic subunit delta; plus strand). Cytogenetic location: 1p36.22.
Variant type: single nucleotide variant.
Coding change: c.371-3C>T on transcript NM_005026.5 (MANE Select); 3 bases into the intron before coding-DNA position 371, C replaced by T.
Molecular consequence: intron variant.
Genome position (GRCh38, 1-based): chr1:9,715,846, C>T. VCF-style: chr1-9715846-C-T. GRCh37 (hg19) VCF-style: chr1-9775904-C-T.
Other names: p.?; c.371-3C>T (LRG_191t1, NM_001350234.2, NM_001350235.1).
Identifiers: ClinVar variation 474030 (VCV000474030.23), dbSNP rs113176101, ClinGen allele CA576867.

ClinVar aggregate classification (germline): Benign. Review status: reviewed by expert panel (3 of 4 stars). 6 submissions from 6 submitters: Benign (1). 5 of the submissions do not count toward it. Last evaluated 2025-12-19.

Conditions:
Immunodeficiency 14 (IMD14A). Also called: p110-DELTA-ACTIVATING MUTATION CAUSING SENESCENT T CELLS, LYMPHADENOPATHY, AND IMMUNODEFICIENCY; IMMUNODEFICIENCY 14A WITH LYMPHOPROLIFERATION, AUTOSOMAL DOMINANT; Activated PI3K Delta Syndrome Type 1 (APDS1); ACTIVATED PI3K-DELTA SYNDROME 1. Identifiers: Orphanet 397596, Orphanet 693661, MedGen C5907821, MONDO:0014222, OMIM 615513.

Allele frequency attached by ClinVar (database versions not stated): gnomAD exomes 0.00169 and 0.00412; ExAC 0.00501; gnomAD 0.01683 and 0.01792; 1000 Genomes Project 0.01697; 1000 Genomes Project 30x 0.01811; TOPMed 0.01926; ESP Exome Variant Server 0.02112.
gnomAD v4.1: 5,169 of 1,611,486 alleles (0.32%); highest among the groups gnomAD compares: African/African-American, 5.8%; 156 homozygotes.

Submissions (8):

ClinGen Primary Immune Regulatory Disorders Variant Curation Expert Panel, ClinGen
Classification: Benign for Immunodeficiency 14. Last evaluated: 2025-12-19. Review status: reviewed by expert panel. Criteria: ClinGen AbDef ACMG Specifications PIK3CD V1.0.0. Collection method: curation. Allele origin: germline. Inheritance: Autosomal dominant inheritance.
Comment: NM_005026.5(PIK3CD):c.371-3C>T is a non-coding variant located in intron 4. This variant is present in gnomAD v.4.1.0 at a GrpMax allele frequency of 0.05670, with 4,361 alleles / 75,008 total alleles in the African/African American population, which is higher than the ClinGen Antibody Deficiencies VCEP BA1 threshold of >0.00316 (BA1). This non-coding variant does not have a predicted impact on PIK3CD splicing according to SpliceAI, however, this variant is not eligible for the BP7 code as the -3 position relative to the exon is considered part of the splice donor region. The computational splicing predictor SpliceAI gives a delta score of 0.03 for acceptor gain, which is below the ClinGen Antibody Deficiencies VCEP threshold of <0.1 (BP4). In summary, this variant meets the criteria to be classified as benign for autosomal dominant immunodeficiency 14 based on the ACMG/AMP criteria applied, as specified by the ClinGen Antibody Deficiencies VCEP: BA1 and BP4. (VCEP specifications version 1.0.0).

Labcorp Genetics (formerly Invitae), Labcorp
Classification: Benign for Activated PI3K-delta syndrome. Last evaluated: 2026-02-01. Review status: criteria provided, single submitter. Criteria: Invitae Variant Classification Sherloc (09022015). Collection method: clinical testing. Allele origin: germline. Not counted in ClinVar's aggregate classification.

Women's Health and Genetics/Laboratory Corporation of America, LabCorp
Classification: Benign. Last evaluated: 2026-01-21. Review status: criteria provided, single submitter. Criteria: LabCorp Variant Classification Summary - May 2015. Collection method: clinical testing. Allele origin: germline. Not counted in ClinVar's aggregate classification.

ARUP Laboratories, Molecular Genetics and Genomics, ARUP Laboratories
Classification: Benign. Last evaluated: 2023-10-16. Review status: criteria provided, single submitter. Criteria: ARUP Molecular Germline Variant Investigation Process 2024. Collection method: clinical testing. Allele origin: germline. Not counted in ClinVar's aggregate classification.

Mayo Clinic Laboratories, Mayo Clinic
Classification: Benign. Last evaluated: 2022-08-05. Review status: criteria provided, single submitter. Criteria: ACMG Guidelines, 2015. Collection method: clinical testing. Allele origin: germline. Observed: 14 variant alleles. Not counted in ClinVar's aggregate classification.

Breakthrough Genomics
Classification: Benign. Review status: criteria provided, single submitter. Criteria: ACMG Guidelines, 2015. Collection method: not provided. Allele origin: germline. Inheritance: Autosomal recessive inheritance. Affected: yes. Not counted in ClinVar's aggregate classification.

Dr. Peter K. Rogan Lab, Western University
No classification provided (evidence only). Condition: Acute myeloid leukemia. Review status: no classification provided. Collection method: in vitro. Allele origin: not applicable. Functional consequence: retained intron. Not counted in ClinVar's aggregate classification.

Dr. Peter K. Rogan Lab, Western University
No classification provided (evidence only). Condition: Uveal melanoma. Review status: no classification provided. Collection method: in vitro. Allele origin: not applicable. Functional consequence: retained intron. Not counted in ClinVar's aggregate classification.